The following is an entry in ClinVar:

ClinVar aggregate classification (germline): Conflicting classifications of pathogenicity. Review status: criteria provided, conflicting classifications (1 of 4 stars). 5 submissions from 5 submitters: Uncertain significance (4); Likely benign (1). Last evaluated 2024-04-13.

Conditions:
Hereditary cancer-predisposing syndrome. Also called: Neoplastic Syndromes, Hereditary; Tumor predisposition; Hereditary Cancer Syndrome; Hereditary neoplastic syndrome. Identifiers: Orphanet 140162, MedGen C0027672, MeSH D009386, MONDO:0015356.
Hereditary breast ovarian cancer syndrome. Also called: Hereditary breast and ovarian cancer syndrome; Hereditary breast and ovarian cancer; Hereditary breast and ovarian cancer syndrome (HBOC); Breast and ovarian cancer; Hereditary breast and/or ovarian cancer syndrome; BRCA1- and BRCA2-Associated Hereditary Breast and Ovarian Cancer. Identifiers: Orphanet 145, MedGen C0677776, MeSH D061325, MONDO:0003582. Disease mechanism: loss of function.

Submissions (5):

Ambry Genetics
Classification: Uncertain significance for Hereditary cancer-predisposing syndrome. Last evaluated: 2024-04-13. Review status: criteria provided, single submitter. Criteria: Ambry Variant Classification Scheme 2023. Collection method: clinical testing. Allele origin: germline.
Comment: The p.S378R variant (also known as c.1134T>A), located in coding exon 9 of the BRCA2 gene, results from a T to A substitution at nucleotide position 1134. The serine at codon 378 is replaced by arginine, an amino acid with dissimilar properties. This variant was not reported in population based cohorts in the following databases: Database of Single Nucleotide Polymorphisms (dbSNP), NHLBI Exome Sequencing Project (ESP), and 1000 Genomes Project. In the ESP, this variant was not observed in 6430 samples (12860 alleles) with coverage at this position. To date, this alteration has been detected with an allele frequency of approximately 0.0003% (greater than 300000 alleles tested) in our clinical cohort. This amino acid position is poorly conserved in available vertebrate species. In addition, this alteration is predicted to be tolerated by in silico analysis. Since supporting evidence is limited at this time, the clinical significance of this alteration remains unclear.

GeneDx
Classification: Uncertain significance. Last evaluated: 2024-01-31. Review status: criteria provided, single submitter. Criteria: GeneDx Variant Classification Process June 2021. Collection method: clinical testing. Allele origin: germline. Affected: yes.
Comment: Not observed at significant frequency in large population cohorts (gnomAD); In silico analysis supports that this missense variant does not alter protein structure/function; Has not been previously published as pathogenic or benign to our knowledge; Also known as 1362T>A

University of Washington Department of Laboratory Medicine, University of Washington
Classification: Likely benign for Hereditary cancer-predisposing syndrome. Last evaluated: 2023-03-23. Review status: criteria provided, single submitter. Criteria: Dines et al. (Genet Med. 2020). Collection method: curation. Allele origin: germline.
Comment: Missense variant in a coldspot region where missense variants are very unlikely to be pathogenic (PMID:31911673).

BRCA2 exon 10 coldspot. Reclassification based on statistical prior probability.

Labcorp Genetics (formerly Invitae), Labcorp
Classification: Uncertain significance for Hereditary breast ovarian cancer syndrome. Last evaluated: 2022-09-15. Review status: criteria provided, single submitter. Criteria: Invitae Variant Classification Sherloc (09022015). Collection method: clinical testing. Allele origin: germline.
Comment: This sequence change replaces serine, which is neutral and polar, with arginine, which is basic and polar, at codon 378 of the BRCA2 protein (p.Ser378Arg). This variant is not present in population databases (gnomAD no frequency). This variant has not been reported in the literature in individuals affected with BRCA2-related conditions. ClinVar contains an entry for this variant (Variation ID: 483048). Advanced modeling of protein sequence and biophysical properties (such as structural, functional, and spatial information, amino acid conservation, physicochemical variation, residue mobility, and thermodynamic stability) performed at Invitae indicates that this missense variant is not expected to disrupt BRCA2 protein function. In summary, the available evidence is currently insufficient to determine the role of this variant in disease. Therefore, it has been classified as a Variant of Uncertain Significance.

Quest Diagnostics Nichols Institute San Juan Capistrano
Classification: Uncertain significance. Last evaluated: 2021-03-15. Review status: criteria provided, single submitter. Criteria: Quest Diagnostics criteria. Collection method: clinical testing. Allele origin: unknown.

NM_000059.4(BRCA2):c.1134T>A (p.Ser378Arg)

Gene: BRCA2 (BRCA2 DNA repair associated; plus strand). Cytogenetic location: 13q13.1.
Variant type: single nucleotide variant.
Coding change: c.1134T>A on transcript NM_000059.4 (MANE Select); coding-DNA position 1134, T replaced by A.
Protein change: p.Ser378Arg; replaces serine 378 with arginine.
Molecular consequence: missense variant.
Genome position (GRCh38, 1-based): chr13:32,332,612, T>A. VCF-style: chr13-32332612-T-A. GRCh37 (hg19) VCF-style: chr13-32906749-T-A.
Other names: short protein forms S378R.
Identifiers: ClinVar variation 483048 (VCV000483048.17), dbSNP rs1555281748, ClinGen allele CA387761753.